The following is an entry in ClinVar:

ClinVar aggregate classification (germline): Uncertain significance. Review status: criteria provided, multiple submitters, no conflicts (2 of 4 stars). 2 submissions from 2 submitters: Uncertain significance (2). Last evaluated 2025-11-23.

Conditions:
Adams-Oliver syndrome 5 (AOS5). Identifiers: Orphanet 974, MedGen C4014970, MONDO:0014459, OMIM 616028.
Familial thoracic aortic aneurysm and aortic dissection (TAAD). Also called: Thoracic aortic aneurysms and dissections. Identifiers: Orphanet 91387, MedGen C4707243, MONDO:0019625.

gnomAD v4.1: 1 of 1,609,612 alleles (0.000062%); highest among the groups gnomAD compares: Non-Finnish European, 0.000085%; no homozygotes.

Submissions (2):

Labcorp Genetics (formerly Invitae), Labcorp
Classification: Uncertain significance for Adams-Oliver syndrome 5. Last evaluated: 2025-11-23. Review status: criteria provided, single submitter. Criteria: Invitae Variant Classification Sherloc (09022015). Collection method: clinical testing. Allele origin: germline.
Comment: This sequence change replaces histidine, which is basic and polar, with glutamine, which is neutral and polar, at codon 2233 of the NOTCH1 protein (p.His2233Gln). This variant is not present in population databases (gnomAD no frequency). This variant has not been reported in the literature in individuals affected with NOTCH1-related conditions. ClinVar contains an entry for this variant (Variation ID: 3406935). Invitae Evidence Modeling of protein sequence and biophysical properties (such as structural, functional, and spatial information, amino acid conservation, physicochemical variation, residue mobility, and thermodynamic stability) indicates that this missense variant is not expected to disrupt NOTCH1 protein function with a negative predictive value of 95%. In summary, the available evidence is currently insufficient to determine the role of this variant in disease. Therefore, it has been classified as a Variant of Uncertain Significance.

Ambry Genetics
Classification: Uncertain significance for Familial thoracic aortic aneurysm and aortic dissection. Last evaluated: 2024-11-08. Review status: criteria provided, single submitter. Criteria: Ambry Variant Classification Scheme 2023. Collection method: clinical testing. Allele origin: germline.

NM_017617.5(NOTCH1):c.6699C>A (p.His2233Gln)

Gene: NOTCH1 (notch receptor 1; minus strand). Cytogenetic location: 9q34.3.
Variant type: single nucleotide variant.
Coding change: c.6699C>A on transcript NM_017617.5 (MANE Select); coding-DNA position 6699, C replaced by A.
Protein change: p.His2233Gln; replaces histidine 2233 with glutamine.
Molecular consequence: missense variant.
Genome position (GRCh38, 1-based): chr9:136,497,040, G>T on the plus strand (C>A on the coding strand, the complement: NOTCH1 is on the minus strand). VCF-style: chr9-136497040-G-T. GRCh37 (hg19) VCF-style: chr9-139391492-G-T.
Other names: short protein forms H2233Q.
Identifiers: ClinVar variation 3406935 (VCV003406935.2).